The following is an entry in ClinVar:

NM_001256627.2(BRSK2):c.1500G>A (p.Pro500=)

Gene: BRSK2 (BR serine/threonine kinase 2; plus strand). Cytogenetic location: 11p15.5.
Variant type: single nucleotide variant.
Coding change: c.1500G>A on transcript NM_001256627.2 (MANE Select); coding-DNA position 1500, G replaced by A.
Protein change: p.Pro500=; no amino-acid change (proline 500 retained).
Molecular consequence: synonymous variant. On other transcripts: non-coding transcript variant (1).
Genome position (GRCh38, 1-based): chr11:1,451,375, G>A. VCF-style: chr11-1451375-G-A. GRCh37 (hg19) VCF-style: chr11-1472605-G-A.
Other names: c.1500G>A, p.Pro500= (NM_001256629.2, NM_003957.4); c.1638G>A, p.Pro546= (NM_001256630.1); c.1320G>A, p.Pro440= (NM_001282218.2); c.1500G>A (NM_001256627.1).
Identifiers: ClinVar variation 2641337 (VCV002641337.26), dbSNP rs3793971, ClinGen allele CA5811093.
Genomic context (GRCh38, chr11:1,451,375, plus strand): 5'-AGGGGAAGGATGGAGCGGTCACCACGCCTTTCCTCCTGTTCATCCTGTGTGCACAGTTCC[G>A]ACGCCGGAGGAGATGTCCAACCTGACACCAGAGTCGTCCCCAGAGTAAGTGGCCCCTGCT-3'
Protein context (NP_001243556.1, residues 490-510): PRFHRRKLQV[Pro500=]TPEEMSNLTP

ClinVar aggregate classification (germline): Benign/Likely benign. Review status: criteria provided, multiple submitters, no conflicts (2 of 4 stars). 3 submissions from 3 submitters: Benign (1); Likely benign (1). 1 of the submissions does not count toward it. Last evaluated 2026-09-01.

Conditions:
BRSK2-related disorder. Also called: BRSK2-related condition; BRSK2-Related Disorders.

Allele frequency attached by ClinVar (database versions not stated): 1000 Genomes Project 30x 0.00125; 1000 Genomes Project 0.00140; ESP Exome Variant Server 0.00164; gnomAD 0.00171; TOPMed 0.00175; gnomAD exomes 0.00259.
gnomAD v4.1: 4,051 of 1,612,950 alleles (0.25%); highest among the groups gnomAD compares: Middle Eastern, 0.51%; 17 homozygotes.

Submissions (3):

CeGaT Center for Human Genetics Tuebingen
Classification: Benign. Last evaluated: 2026-09-01. Review status: criteria provided, single submitter. Criteria: CeGaT Center For Human Genetics Tuebingen Variant Classification Criteria Version 2. Collection method: clinical testing. Allele origin: germline. Affected: yes. Observed: 14 variant alleles.
Comment: BRSK2: BP4, BP7, BS1, BS2

Blueprint Genetics
Classification: Likely benign. Last evaluated: 2024-11-27. Review status: criteria provided, single submitter. Criteria: ACMG Guidelines, 2015. Collection method: clinical testing. Allele origin: germline.

PreventionGenetics, part of Exact Sciences
Classification: Benign for BRSK2-related condition. Last evaluated: 2021-07-27. Review status: no assertion criteria provided. Collection method: clinical testing. Allele origin: germline. Not counted in ClinVar's aggregate classification.
Comment: This variant is classified as benign based on ACMG/AMP sequence variant interpretation guidelines (Richards et al. 2015 PMID: 25741868, with internal and published modifications).